The following is an entry in ClinVar:

ClinVar aggregate classification (germline): Uncertain significance (1 of 4 stars; one submission).

Submission:

Labcorp Genetics (formerly Invitae), Labcorp
Classification: Uncertain significance. Last evaluated: 2026-01-27. Review status: criteria provided, single submitter. Criteria: Invitae Variant Classification Sherloc (09022015). Collection method: clinical testing. Allele origin: germline.
Comment: This sequence change replaces threonine, which is neutral and polar, with proline, which is neutral and non-polar, at codon 171 of the KAT6A protein (p.Thr171Pro). This variant is not present in population databases (gnomAD no frequency). This variant has not been reported in the literature in individuals affected with KAT6A-related conditions. Invitae Evidence Modeling of protein sequence and biophysical properties (such as structural, functional, and spatial information, amino acid conservation, physicochemical variation, residue mobility, and thermodynamic stability) indicates that this missense variant is not expected to disrupt KAT6A protein function with a negative predictive value of 95%. In summary, the available evidence is currently insufficient to determine the role of this variant in disease. Therefore, it has been classified as a Variant of Uncertain Significance.

NM_006766.5(KAT6A):c.511A>C (p.Thr171Pro)

Gene: KAT6A (lysine acetyltransferase 6A; minus strand). Cytogenetic location: 8p11.21.
Variant type: single nucleotide variant.
Coding change: c.511A>C on transcript NM_006766.5 (MANE Select); coding-DNA position 511, A replaced by C.
Protein change: p.Thr171Pro; replaces threonine 171 with proline.
Molecular consequence: missense variant.
Genome position (GRCh38, 1-based): chr8:42,048,467, T>G on the plus strand (A>C on the coding strand, the complement: KAT6A is on the minus strand). VCF-style: chr8-42048467-T-G. GRCh37 (hg19) VCF-style: chr8-41905985-T-G.
Other names: c.511A>C, p.Thr171Pro (NM_001305878.2); short protein forms T171P.
Identifiers: ClinVar variation 4733448 (VCV004733448.1).
Genomic context (GRCh38, chr8:42,048,467, plus strand): 5'-CTGGAGGTAAACAGGAAAGAGACTCACAACTCTCTTTCCCATCCACGTTGGTTGCTTTAG[T>G]GTTGAGCCGATAAAGAGGTCCATCTTTAAGGAGTCTGCCGTGGCCAATGGCACGTTTGAT-3'
Protein context (NP_006757.2, residues 161-181): LKDGPLYRLN[Thr171Pro]KATNVDGKES